The following is an entry in ClinVar:

NM_058179.4(PSAT1):c.178del (p.Val60fs)

Gene: PSAT1 (phosphoserine aminotransferase 1; plus strand). Cytogenetic location: 9q21.2.
Variant type: Deletion.
Coding change: c.178del on transcript NM_058179.4 (MANE Select); coding-DNA position 178, one base deleted (G; older notation c.178delG).
Protein change: p.Val60fs; shifts the reading frame from valine 60.
Molecular consequence: frameshift variant.
Genome position (GRCh38, 1-based): chr9:78,302,010, G deleted. VCF-style (leftmost placement, unchanged base first): chr9-78302009-TG-T. GRCh37 (hg19) VCF-style: chr9-80916925-TG-T.
Other names: c.178del, p.Val60fs (NM_021154.5); short protein forms V60fs.
Identifiers: ClinVar variation 578992 (VCV000578992.6), dbSNP rs1564012541, ClinGen allele CA891842717.

ClinVar aggregate classification (germline): Pathogenic (1 of 4 stars; one submission).

Conditions:
Neu-Laxova syndrome 2. Identifiers: Orphanet 2671, Orphanet 583602, MedGen C4015019, MONDO:0014466, OMIM 616038.

Submission:

Labcorp Genetics (formerly Invitae), Labcorp
Classification: Pathogenic for Neu-Laxova syndrome 2. Last evaluated: 2018-06-23. Review status: criteria provided, single submitter. Criteria: Invitae Variant Classification Sherloc (09022015). Collection method: clinical testing. Allele origin: germline.
Comment: For these reasons, this variant has been classified as Pathogenic. Loss-of-function variants in PSAT1 are known to be pathogenic (PMID: 17436247, 25152457). This variant has not been reported in the literature in individuals with PSAT1-related disease. This variant is not present in population databases (ExAC no frequency). This sequence change creates a premature translational stop signal (p.Val60Cysfs*5) in the PSAT1 gene. It is expected to result in an absent or disrupted protein product.

Literature cited by the submitters: PubMed 17436247; PubMed 25152457.